The following is an entry in ClinVar:

ClinVar aggregate classification (germline): Likely pathogenic (1 of 4 stars; one submission).

Submission:

Labcorp Genetics (formerly Invitae), Labcorp
Classification: Likely pathogenic. Last evaluated: 2023-02-08. Review status: criteria provided, single submitter. Criteria: Invitae Variant Classification Sherloc (09022015). Collection method: clinical testing. Allele origin: germline.
Comment: In summary, the currently available evidence indicates that the variant is pathogenic, but additional data are needed to prove that conclusively. Therefore, this variant has been classified as Likely Pathogenic. This variant disrupts the p.Gly149 amino acid residue in COL4A4. Other variant(s) that disrupt this residue have been determined to be pathogenic (PMID: 32939031; Invitae). This suggests that this residue is clinically significant, and that variants that disrupt this residue are likely to be disease-causing. Advanced modeling of protein sequence and biophysical properties (such as structural, functional, and spatial information, amino acid conservation, physicochemical variation, residue mobility, and thermodynamic stability) performed at Invitae indicates that this missense variant is expected to disrupt COL4A4 protein function. This variant has not been reported in the literature in individuals affected with COL4A4-related conditions. This variant is not present in population databases (gnomAD no frequency). This sequence change replaces glycine, which is neutral and non-polar, with arginine, which is basic and polar, at codon 149 of the COL4A4 protein (p.Gly149Arg).

Literature cited by the submitters: PubMed 32939031.

NM_000092.5(COL4A4):c.445G>A (p.Gly149Arg)

Gene: COL4A4 (collagen type IV alpha 4 chain; minus strand). Cytogenetic location: 2q36.3.
Variant type: single nucleotide variant.
Coding change: c.445G>A on transcript NM_000092.5 (MANE Select); coding-DNA position 445, G replaced by A.
Protein change: p.Gly149Arg; replaces glycine 149 with arginine.
Molecular consequence: missense variant.
Genome position (GRCh38, 1-based): chr2:227,118,689, C>T on the plus strand (G>A on the coding strand, the complement: COL4A4 is on the minus strand). VCF-style: chr2-227118689-C-T. GRCh37 (hg19) VCF-style: chr2-227983405-C-T.
Other names: short protein forms G149R.
Identifiers: ClinVar variation 3003833 (VCV003003833.3), dbSNP rs2476140169, ClinGen allele CA350861952.
Genomic context (GRCh38, chr2:227,118,689, plus strand): 5'-ACTGTGGGTATCTTACTAGGGGGCCTCCTGGGCCAAGAGCTCCTCTTCCTCCTGGAAACC[C>T]TGGGTCACCTCTTGAGCCATTGTGGCCACTCATACCAGGTTTGCCTCTGGGTCCAGGAGG-3'
Protein context (NP_000083.3, residues 139-159): SGHNGSRGDP[Gly149Arg]FPGGRGALGP